The following is an entry in ClinVar:

NM_031433.4(MFRP):c.1075G>A (p.Val359Met)

Genes: C1QTNF5 (C1q and TNF related 5; minus strand), MFRP (membrane frizzled-related protein; minus strand). Cytogenetic location: 11q23.3.
Variant type: single nucleotide variant.
Coding change: c.1075G>A on transcript NM_031433.4 (MANE Select); coding-DNA position 1075, G replaced by A.
Protein change: p.Val359Met; replaces valine 359 with methionine.
Molecular consequence: missense variant. On other transcripts: 5 prime UTR variant (1).
Genome position (GRCh38, 1-based): chr11:119,343,865, C>T on the plus strand (G>A on the coding strand, the complement: MFRP is on the minus strand). VCF-style: chr11-119343865-C-T. GRCh37 (hg19) VCF-style: chr11-119214575-C-T.
Other names: c.-1562G>A (NM_015645.5); short protein forms V359M.
Identifiers: ClinVar variation 1010972 (VCV001010972.8), dbSNP rs759510004, ClinGen allele CA6320266.
Genomic context (GRCh38, chr11:119,343,865, plus strand): 5'-GGCTCCTGTACCTGCCCAGGAGGCTGAAGGCCCCTGAGCTGCTGGTCTCATACACCTCCA[C>T]GTAGTCAAACTTGCACTCGTCCTGAGCCTCCAGGCTGAAGTTGTGGAACTGTAGTTCTAT-3'
Protein context (NP_113621.1, residues 349-369): EAQDECKFDY[Val359Met]EVYETSSSGA

ClinVar aggregate classification (germline): Uncertain significance. Review status: criteria provided, multiple submitters, no conflicts (2 of 4 stars). 2 submissions from 2 submitters: Uncertain significance (2). Last evaluated 2024-09-04.

Conditions:
Inborn genetic diseases. Identifiers: MedGen C0950123, MeSH D030342.
Isolated microphthalmia 5. Also called: Posterior Microphthalmia with Retinitis Pigmentosa, Foveoschisis, and Optic Disc Drusen. Identifiers: Orphanet 251279, MedGen C1970236, MONDO:0012605, OMIM 611040.

Allele frequency attached by ClinVar (database versions not stated): TOPMed 0.00010.

Submissions (2):

Ambry Genetics
Classification: Uncertain significance for Inborn genetic diseases. Last evaluated: 2024-09-04. Review status: criteria provided, single submitter. Criteria: Ambry Variant Classification Scheme 2023. Collection method: clinical testing. Allele origin: germline.

Labcorp Genetics (formerly Invitae), Labcorp
Classification: Uncertain significance for Isolated microphthalmia 5. Last evaluated: 2023-11-28. Review status: criteria provided, single submitter. Criteria: Invitae Variant Classification Sherloc (09022015). Collection method: clinical testing. Allele origin: germline.
Comment: This sequence change replaces valine, which is neutral and non-polar, with methionine, which is neutral and non-polar, at codon 359 of the MFRP protein (p.Val359Met). This variant is present in population databases (rs759510004, gnomAD 0.05%), including at least one homozygous and/or hemizygous individual. This variant has not been reported in the literature in individuals affected with MFRP-related conditions. ClinVar contains an entry for this variant (Variation ID: 1010972). Advanced modeling of protein sequence and biophysical properties (such as structural, functional, and spatial information, amino acid conservation, physicochemical variation, residue mobility, and thermodynamic stability) performed at Invitae indicates that this missense variant is not expected to disrupt MFRP protein function with a negative predictive value of 80%. In summary, the available evidence is currently insufficient to determine the role of this variant in disease. Therefore, it has been classified as a Variant of Uncertain Significance.